The following is an entry in ClinVar:

ClinVar aggregate classification (germline): Uncertain significance (1 of 4 stars; one submission).

Allele frequency attached by ClinVar (database versions not stated): gnomAD exomes below 0.00001; TOPMed 0.00002.
gnomAD v4.1: 2 of 1,551,982 alleles (0.00013%); highest among the groups gnomAD compares: African/African-American, 0.0014%; no homozygotes.

Submission:

Labcorp Genetics (formerly Invitae), Labcorp
Classification: Uncertain significance. Last evaluated: 2024-03-04. Review status: criteria provided, single submitter. Criteria: Invitae Variant Classification Sherloc (09022015). Collection method: clinical testing. Allele origin: germline.
Comment: This sequence change replaces proline, which is neutral and non-polar, with leucine, which is neutral and non-polar, at codon 464 of the DTHD1 protein (p.Pro464Leu). This variant is not present in population databases (gnomAD no frequency). This variant has not been reported in the literature in individuals affected with DTHD1-related conditions. ClinVar contains an entry for this variant (Variation ID: 2171587). An algorithm developed to predict the effect of missense changes on protein structure and function (PolyPhen-2) suggests that this variant is likely to be tolerated. In summary, the available evidence is currently insufficient to determine the role of this variant in disease. Therefore, it has been classified as a Variant of Uncertain Significance.

NM_001170700.3(DTHD1):c.2261C>T (p.Pro754Leu)

Gene: DTHD1 (death domain containing 1; plus strand). Cytogenetic location: 4p14.
Variant type: single nucleotide variant.
Coding change: c.2261C>T on transcript NM_001170700.3 (MANE Select); coding-DNA position 2261, C replaced by T.
Protein change: p.Pro754Leu; replaces proline 754 with leucine.
Molecular consequence: missense variant. On other transcripts: non-coding transcript variant (2).
Genome position (GRCh38, 1-based): chr4:36,316,407, C>T. VCF-style: chr4-36316407-C-T. GRCh37 (hg19) VCF-style: chr4-36318029-C-T.
Other names: c.1391C>T, p.Pro464Leu (NM_001136536.5); c.1328C>T, p.Pro443Leu (NM_001378435.1); short protein forms P754L, P443L, P464L.
Identifiers: ClinVar variation 2171587 (VCV002171587.4), dbSNP rs867582414, ClinGen allele CA95790339.